The following is an entry in ClinVar:

NM_022124.6(CDH23):c.8744G>A (p.Arg2915His)

Gene: CDH23 (cadherin related 23; plus strand). Cytogenetic location: 10q22.1.
Variant type: single nucleotide variant.
Coding change: c.8744G>A on transcript NM_022124.6 (MANE Select); coding-DNA position 8744, G replaced by A.
Protein change: p.Arg2915His; replaces arginine 2915 with histidine.
Molecular consequence: missense variant.
Genome position (GRCh38, 1-based): chr10:71,809,841, G>A. VCF-style: chr10-71809841-G-A. GRCh37 (hg19) VCF-style: chr10-73569598-G-A.
Other names: c.2024G>A, p.Arg675His (NM_001171933.1, NM_001171934.1); c.8744G>A (NM_022124.5); short protein forms R2915H, R675H.
Identifiers: ClinVar variation 1407769 (VCV001407769.6), dbSNP rs58875306, ClinGen allele CA5546739.
Genomic context (GRCh38, chr10:71,809,841, plus strand): 5'-GAGTCTCTGAGCCGTACCCCGCCTTTGGGCTTCCTGCAGGGAGCATGGACGGCATTCTGC[G>A]CACCTTCGACCTCTTCATGGCCTACAGCCCCGGCTACTTCGTGGTGGACATTGTGGCCCG-3'
Protein context (NP_071407.4, residues 2905-2925): FTMGSMDGIL[Arg2915His]TFDLFMAYSP

ClinVar aggregate classification (germline): Uncertain significance. Review status: criteria provided, multiple submitters, no conflicts (2 of 4 stars). 2 submissions from 2 submitters: Uncertain significance (2). Last evaluated 2025-08-21.

Conditions:
Inborn genetic diseases. Identifiers: MedGen C0950123, MeSH D030342.

Allele frequency attached by ClinVar (database versions not stated): ExAC 0.00001; gnomAD exomes 0.00001; TOPMed 0.00002; gnomAD 0.00003 and 0.00005; 1000 Genomes Project 0.00020; 1000 Genomes Project 30x 0.00031.
gnomAD v4.1: 16 of 1,612,676 alleles (0.00099%); highest among the groups gnomAD compares: East Asian, 0.0089%; no homozygotes.

Submissions (2):

Ambry Genetics
Classification: Uncertain significance for Inborn genetic diseases. Last evaluated: 2025-08-21. Review status: criteria provided, single submitter. Criteria: Ambry Variant Classification Scheme 2023. Collection method: clinical testing. Allele origin: germline.

Labcorp Genetics (formerly Invitae), Labcorp
Classification: Uncertain significance. Last evaluated: 2021-09-01. Review status: criteria provided, single submitter. Criteria: Invitae Variant Classification Sherloc (09022015). Collection method: clinical testing. Allele origin: germline.
Comment: This sequence change replaces arginine with histidine at codon 2915 of the CDH23 protein (p.Arg2915His). The arginine residue is highly conserved and there is a small physicochemical difference between arginine and histidine. This variant is present in population databases (rs58875306, ExAC 0.01%). This variant has not been reported in the literature in individuals affected with CDH23-related conditions. Algorithms developed to predict the effect of missense changes on protein structure and function are either unavailable or do not agree on the potential impact of this missense change (SIFT: "Deleterious"; PolyPhen-2: "Not Available"; Align-GVGD: "Class C0"). In summary, the available evidence is currently insufficient to determine the role of this variant in disease. Therefore, it has been classified as a Variant of Uncertain Significance.